The following is an entry in ClinVar:

NM_003124.5(SPR):c.427C>G (p.Pro143Ala)

Gene: SPR (sepiapterin reductase; plus strand). Cytogenetic location: 2p13.2.
Variant type: single nucleotide variant.
Coding change: c.427C>G on transcript NM_003124.5 (MANE Select); coding-DNA position 427, C replaced by G.
Protein change: p.Pro143Ala; replaces proline 143 with alanine.
Molecular consequence: missense variant.
Genome position (GRCh38, 1-based): chr2:72,888,436, C>G. VCF-style: chr2-72888436-C-G. GRCh37 (hg19) VCF-style: chr2-73115565-C-G.
Other names: short protein forms P143A.
Identifiers: ClinVar variation 2185387 (VCV002185387.4), dbSNP rs1215615464, ClinGen allele CA347231642.

ClinVar aggregate classification (germline): Uncertain significance (1 of 4 stars; one submission).

Conditions:
Dystonic disorder. Also called: Dystonia. Identifiers: MedGen C0013421, MONDO:0003441, HP:0001332.

Submission:

Labcorp Genetics (formerly Invitae), Labcorp
Classification: Uncertain significance for Dystonic disorder. Last evaluated: 2022-06-18. Review status: criteria provided, single submitter. Criteria: Invitae Variant Classification Sherloc (09022015). Collection method: clinical testing. Allele origin: germline.
Comment: In summary, the available evidence is currently insufficient to determine the role of this variant in disease. Therefore, it has been classified as a Variant of Uncertain Significance. Algorithms developed to predict the effect of missense changes on protein structure and function (SIFT, PolyPhen-2, Align-GVGD) all suggest that this variant is likely to be tolerated. This variant has not been reported in the literature in individuals affected with SPR-related conditions. This variant is not present in population databases (gnomAD no frequency). This sequence change replaces proline, which is neutral and non-polar, with alanine, which is neutral and non-polar, at codon 143 of the SPR protein (p.Pro143Ala).